The following is an entry in ClinVar:

NC_000007.13:g.(?_116417433)_(116436178_?)dup

Gene: MET (MET proto-oncogene, receptor tyrosine kinase; plus strand). Cytogenetic location: 7q31.2.
Variant type: Duplication.
Identifiers: ClinVar variation 2423763 (VCV002423763.4).

ClinVar aggregate classification (germline): Uncertain significance (1 of 4 stars; one submission).

Conditions:
Renal cell carcinoma (RCCP1). Identifiers: Orphanet 217071, MedGen C0007134, MeSH D002292, MONDO:0005086, HP:0005584.

Submission:

Labcorp Genetics (formerly Invitae), Labcorp
Classification: Uncertain significance for Renal cell carcinoma. Last evaluated: 2022-09-03. Review status: criteria provided, single submitter. Criteria: Invitae Variant Classification Sherloc (09022015). Collection method: clinical testing. Allele origin: germline.
Comment: This variant results in a copy number gain of the genomic region encompassing exon(s) 16-21 of the MET gene. This region includes the termination codon of the gene. This copy number gain extends beyond the assayed region for this gene and therefore may encompass additional genes. As the precise location of this event is unknown, it may be in tandem or it may be located elsewhere in the genome. This variant has not been reported in the literature in individuals affected with MET-related conditions. In summary, the available evidence is currently insufficient to determine the role of this variant in disease. Therefore, it has been classified as a Variant of Uncertain Significance. Experimental studies and prediction algorithms are not available or were not evaluated, and the functional significance of this variant is currently unknown.